The following is an entry in ClinVar:

NM_000195.5(HPS1):c.565C>T (p.Arg189Trp)

Gene: HPS1 (HPS1 biogenesis of lysosomal organelles complex 3 subunit 1; minus strand). Cytogenetic location: 10q24.2.
Variant type: single nucleotide variant.
Coding change: c.565C>T on transcript NM_000195.5 (MANE Select); coding-DNA position 565, C replaced by T.
Protein change: p.Arg189Trp; replaces arginine 189 with tryptophan.
Molecular consequence: missense variant. On other transcripts: 5 prime UTR variant (3), intron variant (5).
Genome position (GRCh38, 1-based): chr10:98,431,234, G>A on the plus strand (C>T on the coding strand, the complement: HPS1 is on the minus strand). VCF-style: chr10-98431234-G-A. GRCh37 (hg19) VCF-style: chr10-100190991-G-A.
Other names: c.-309C>T (NM_001311345.2, NM_001322489.2); c.565C>T, p.Arg189Trp (NM_001322476.2, NM_001322477.2, NM_001322478.2 and 3 more transcripts); c.196C>T, p.Arg66Trp (NM_001322483.2, NM_001322484.2, NM_001322485.2); c.-408C>T (NM_001322487.2); c.408-564C>T (NM_001322480.2, NM_001322482.2, NM_001322481.2); c.551-564C>T (NM_001322492.2, NM_001322490.2); short protein forms R189W, R66W.
Identifiers: ClinVar variation 298348 (VCV000298348.11), dbSNP rs757374077, ClinGen allele CA5639361.

ClinVar aggregate classification (germline): Uncertain significance. Review status: criteria provided, multiple submitters, no conflicts (2 of 4 stars). 4 submissions from 4 submitters: Uncertain significance (4). Last evaluated 2024-02-28.

Conditions:
Inborn genetic diseases. Identifiers: MedGen C0950123, MeSH D030342.
Hermansky-Pudlak syndrome 1 (HPS1). Also called: DELTA STORAGE POOL DISEASE. Identifiers: Orphanet 231500, Orphanet 79430, MedGen C2931875, MONDO:0008748, OMIM 203300.

Allele frequency attached by ClinVar (database versions not stated): TOPMed below 0.00001; ExAC 0.00001; gnomAD 0.00001; gnomAD exomes 0.00001 and 0.00002.
gnomAD v4.1: 31 of 1,613,848 alleles (0.0019%); highest among the groups gnomAD compares: African/African-American, 0.0067%; no homozygotes.

Submissions (4):

Ambry Genetics
Classification: Uncertain significance for Inborn genetic diseases. Last evaluated: 2024-02-28. Review status: criteria provided, single submitter. Criteria: Ambry Variant Classification Scheme 2023. Collection method: clinical testing. Allele origin: germline.

Fulgent Genetics
Classification: Uncertain significance for Hermansky-Pudlak syndrome 1. Last evaluated: 2024-01-25. Review status: criteria provided, single submitter. Criteria: ACMG Guidelines, 2015. Collection method: clinical testing. Allele origin: germline.

Labcorp Genetics (formerly Invitae), Labcorp
Classification: Uncertain significance. Last evaluated: 2021-08-28. Review status: criteria provided, single submitter. Criteria: Invitae Variant Classification Sherloc (09022015). Collection method: clinical testing. Allele origin: germline.
Comment: This sequence change replaces arginine with tryptophan at codon 189 of the HPS1 protein (p.Arg189Trp). The arginine residue is moderately conserved and there is a moderate physicochemical difference between arginine and tryptophan. This variant is present in population databases (rs757374077, ExAC 0.006%). This variant has not been reported in the literature in individuals affected with HPS1-related conditions. ClinVar contains an entry for this variant (Variation ID: 298348). Algorithms developed to predict the effect of missense changes on protein structure and function are either unavailable or do not agree on the potential impact of this missense change (SIFT: "Deleterious"; PolyPhen-2: "Possibly Damaging"; Align-GVGD: "Class C0"). In summary, the available evidence is currently insufficient to determine the role of this variant in disease. Therefore, it has been classified as a Variant of Uncertain Significance.

Illumina Laboratory Services, Illumina
Classification: Uncertain significance for Hermansky-Pudlak syndrome 1. Last evaluated: 2018-01-13. Review status: criteria provided, single submitter. Criteria: ICSL Variant Classification Criteria 13 December 2019. Collection method: clinical testing. Allele origin: germline.